The following is an entry in ClinVar:

NM_001283009.2(RTEL1):c.3049G>T (p.Asp1017Tyr)

Genes: RTEL1 (regulator of telomere elongation helicase 1; plus strand), RTEL1-TNFRSF6B (RTEL1-TNFRSF6B readthrough (NMD candidate); plus strand). Cytogenetic location: 20q13.33.
Variant type: single nucleotide variant.
Coding change: c.3049G>T on transcript NM_001283009.2 (MANE Select); coding-DNA position 3049, G replaced by T.
Protein change: p.Asp1017Tyr; replaces aspartic acid 1017 with tyrosine.
Molecular consequence: missense variant. On other transcripts: non-coding transcript variant (1).
Genome position (GRCh38, 1-based): chr20:63,694,428, G>T. VCF-style: chr20-63694428-G-T. GRCh37 (hg19) VCF-style: chr20-62325781-G-T.
Other names: c.2380G>T, p.Asp794Tyr (NM_001283010.1); c.3049G>T, p.Asp1017Tyr (NM_016434.4); c.3121G>T, p.Asp1041Tyr (NM_032957.5); short protein forms D1017Y, D1041Y, D794Y.
Identifiers: ClinVar variation 3761849 (VCV003761849.2).
Genomic context (GRCh38, chr20:63,694,428, plus strand): 5'-TCAGGAAGAACGGCGCCGGATCCCAAGCTGACCGTGTCCACGGCTGCAGCCCAGCAGCTG[G>T]ACCCCCAAGAGCACCTGAACCAGGGCAGGCCCCACCTGTCGCCCAGGCCACCCCCAACAG-3'
Protein context (NP_001269938.1, residues 1007-1027): TVSTAAAQQL[Asp1017Tyr]PQEHLNQGRP

ClinVar aggregate classification (germline): Uncertain significance (1 of 4 stars; one submission).

Conditions:
Dyskeratosis congenita, autosomal recessive 5 (DKCB5). Identifiers: MedGen C3554656, MONDO:0014076, OMIM 615190.
Pulmonary fibrosis and/or bone marrow failure, Telomere-related, 3. Also called: PULMONARY FIBROSIS AND/OR BONE MARROW FAILURE SYNDROME, TELOMERE-RELATED, 3. Identifiers: Orphanet 2032, MedGen C4225346, MONDO:0014613, OMIM 616373.

gnomAD v4.1: 3 of 1,612,246 alleles (0.00019%); highest among the groups gnomAD compares: Non-Finnish European, 0.00025%; no homozygotes.

Submission:

Labcorp Genetics (formerly Invitae), Labcorp
Classification: Uncertain significance for Dyskeratosis congenita, autosomal recessive 5; Pulmonary fibrosis and/or bone marrow failure, Telomere-related, 3. Last evaluated: 2024-10-28. Review status: criteria provided, single submitter. Criteria: Invitae Variant Classification Sherloc (09022015). Collection method: clinical testing. Allele origin: germline.
Comment: This sequence change replaces aspartic acid, which is acidic and polar, with tyrosine, which is neutral and polar, at codon 1017 of the RTEL1 protein (p.Asp1017Tyr). This variant is not present in population databases (gnomAD no frequency). This variant has not been reported in the literature in individuals affected with RTEL1-related conditions. An algorithm developed to predict the effect of missense changes on protein structure and function (PolyPhen-2) suggests that this variant is likely to be disruptive. In summary, the available evidence is currently insufficient to determine the role of this variant in disease. Therefore, it has been classified as a Variant of Uncertain Significance.